The following is an entry in ClinVar:

NM_000642.3(AGL):c.1614C>G (p.Tyr538Ter)

Gene: AGL (amylo-alpha-1,6-glucosidase and 4-alpha-glucanotransferase; plus strand). Cytogenetic location: 1p21.2.
Variant type: single nucleotide variant.
Coding change: c.1614C>G on transcript NM_000642.3 (MANE Select); coding-DNA position 1614, C replaced by G.
Protein change: p.Tyr538Ter; replaces tyrosine 538 with a stop codon.
Molecular consequence: nonsense.
Genome position (GRCh38, 1-based): chr1:99,879,925, C>G. VCF-style: chr1-99879925-C-G. GRCh37 (hg19) VCF-style: chr1-100345481-C-G.
Other names: c.1413C>G, p.Tyr471Ter (NM_001425327.1); c.1410C>G, p.Tyr470Ter (NM_001425328.1, NM_001425329.1); c.1236C>G, p.Tyr412Ter (NM_001425332.1); c.1614C>G, p.Tyr538Ter (NM_000028.3, NM_000643.3, NM_000644.3 and 2 more transcripts); c.1566C>G, p.Tyr522Ter (NM_000646.3); short protein forms Y538*, Y522*, Y412*, Y470*, Y471*.
Identifiers: ClinVar variation 526587 (VCV000526587.7), dbSNP rs1188310172, ClinGen allele CA341315359.
Genomic context (GRCh38, chr1:99,879,925, plus strand): 5'-CTTGCTTTTCTCTTTCTGTTACATTTATTTGTTACATTTGTCACTGTGCTTTTTACAGTA[C>G]ATGTTGGATGCTGCTAGGAATTTGCAACCCAATTTATATGTAGTAGCTGAACTGTTCACA-3'

ClinVar aggregate classification (germline): Pathogenic (1 of 4 stars; one submission).

Conditions:
Glycogen storage disease type III (GSD3). Also called: Cori disease; FORBES DISEASE. Identifiers: Orphanet 366, MedGen C0017922, MONDO:0009291, OMIM 232400.

Allele frequency attached by ClinVar (database versions not stated): gnomAD exomes below 0.00001; gnomAD 0.00003.
gnomAD v4.1: 1 of 1,610,934 alleles (0.000062%); highest among the groups gnomAD compares: Admixed American, 0.0017%; no homozygotes.

Submission:

Labcorp Genetics (formerly Invitae), Labcorp
Classification: Pathogenic for Glycogen storage disease type III. Last evaluated: 2025-07-11. Review status: criteria provided, single submitter. Criteria: Invitae Variant Classification Sherloc (09022015). Collection method: clinical testing. Allele origin: germline.
Comment: This sequence change creates a premature translational stop signal (p.Tyr538*) in the AGL gene. It is expected to result in an absent or disrupted protein product. Loss-of-function variants in AGL are known to be pathogenic (PMID: 19299494). This variant is present in population databases (no rsID available, gnomAD no frequency). This variant has not been reported in the literature in individuals affected with AGL-related conditions. ClinVar contains an entry for this variant (Variation ID: 526587). Algorithms developed to predict the effect of sequence changes on RNA splicing suggest that this variant may disrupt the consensus splice site. For these reasons, this variant has been classified as Pathogenic.

Literature cited by the submitters: PubMed 19299494.